The following is an entry in ClinVar:

NM_015192.4(PLCB1):c.738G>A (p.Met246Ile)

Gene: PLCB1 (phospholipase C beta 1; plus strand). Cytogenetic location: 20p12.3.
Variant type: single nucleotide variant.
Coding change: c.738G>A on transcript NM_015192.4 (MANE Select); coding-DNA position 738, G replaced by A.
Protein change: p.Met246Ile; replaces methionine 246 with isoleucine.
Molecular consequence: missense variant.
Genome position (GRCh38, 1-based): chr20:8,658,580, G>A. VCF-style: chr20-8658580-G-A. GRCh37 (hg19) VCF-style: chr20-8639227-G-A.
Other names: c.738G>A, p.Met246Ile (NM_182734.3); short protein forms M246I.
Identifiers: ClinVar variation 1015441 (VCV001015441.7), dbSNP rs375123870, ClinGen allele CA9759820.
Genomic context (GRCh38, chr20:8,658,580, plus strand): 5'-GTTTTTCATTGTTTTTAGTGGTGCAAAAAGCAAACCATATCTTACCGTTGATCAGATGAT[G>A]GATTTTATCAACCTTAAGCAGCGAGATCCTCGGCTTAATGAAATACTTTATCCACCTCTA-3'
Protein context (NP_056007.1, residues 236-256): SKPYLTVDQM[Met246Ile]DFINLKQRDP

ClinVar aggregate classification (germline): Uncertain significance (1 of 4 stars; one submission).

Conditions:
Developmental and epileptic encephalopathy, 12 (DEE12). Identifiers: MedGen C3150988, MONDO:0013389, OMIM 613722.

Allele frequency attached by ClinVar (database versions not stated): gnomAD exomes 0.00001 and 0.00002; ExAC 0.00002; gnomAD 0.00007; TOPMed 0.00007; ESP Exome Variant Server 0.00008.
gnomAD v4.1: 25 of 1,612,112 alleles (0.0016%); highest among the groups gnomAD compares: African/African-American, 0.032%; no homozygotes.

Submission:

Labcorp Genetics (formerly Invitae), Labcorp
Classification: Uncertain significance for Developmental and epileptic encephalopathy, 12. Last evaluated: 2025-12-01. Review status: criteria provided, single submitter. Criteria: Invitae Variant Classification Sherloc (09022015). Collection method: clinical testing. Allele origin: germline.
Comment: This sequence change replaces methionine, which is neutral and non-polar, with isoleucine, which is neutral and non-polar, at codon 246 of the PLCB1 protein (p.Met246Ile). This variant is present in population databases (rs375123870, gnomAD 0.03%). This missense change has been observed in individual(s) with PLCB1-related conditions (internal data). In at least one individual the data is consistent with being in trans (on the opposite chromosome) from a pathogenic variant. ClinVar contains an entry for this variant (Variation ID: 1015441). Invitae Evidence Modeling of protein sequence and biophysical properties (such as structural, functional, and spatial information, amino acid conservation, physicochemical variation, residue mobility, and thermodynamic stability) indicates that this missense variant is not expected to disrupt PLCB1 protein function with a negative predictive value of 80%. In summary, the available evidence is currently insufficient to determine the role of this variant in disease. Therefore, it has been classified as a Variant of Uncertain Significance.